The following is an entry in ClinVar:

NM_015164.4(PLEKHM2):c.2429G>A (p.Arg810His)

Gene: PLEKHM2 (pleckstrin homology and RUN domain containing M2; plus strand). Cytogenetic location: 1p36.21.
Variant type: single nucleotide variant.
Coding change: c.2429G>A on transcript NM_015164.4 (MANE Select); coding-DNA position 2429, G replaced by A.
Protein change: p.Arg810His; replaces arginine 810 with histidine.
Molecular consequence: missense variant.
Genome position (GRCh38, 1-based): chr1:15,731,221, G>A. VCF-style: chr1-15731221-G-A. GRCh37 (hg19) VCF-style: chr1-16057716-G-A.
Other names: c.2369G>A, p.Arg790His (NM_001410755.1); short protein forms R790H, R810H.
Identifiers: ClinVar variation 2420109 (VCV002420109.6), dbSNP rs557970918, ClinGen allele CA617244.
Genomic context (GRCh38, chr1:15,731,221, plus strand): 5'-GCCTCACTCGCCCTGTGTTGTGCCCCTGCAGCAACGGGATCCTCTACCAGTACCCGGACC[G>A]CACCGACGTCATCCCTCTGCTCTCGGTGAACATGGGGTAAGTGTCCCGGGAGAAGCGGGT-3'
Protein context (NP_055979.2, residues 800-820): SNGILYQYPD[Arg810His]TDVIPLLSVN

ClinVar aggregate classification (germline): Uncertain significance (1 of 4 stars; one submission).

Allele frequency attached by ClinVar (database versions not stated): gnomAD exomes 0.00001; gnomAD 0.00003; TOPMed 0.00004; ExAC 0.00008; 1000 Genomes Project 0.00020; 1000 Genomes Project 30x 0.00031.
gnomAD v4.1: 26 of 1,598,402 alleles (0.0016%); highest among the groups gnomAD compares: African/African-American, 0.012%; no homozygotes.

Submission:

Labcorp Genetics (formerly Invitae), Labcorp
Classification: Uncertain significance. Last evaluated: 2024-05-13. Review status: criteria provided, single submitter. Criteria: Invitae Variant Classification Sherloc (09022015). Collection method: clinical testing. Allele origin: germline.
Comment: This sequence change replaces arginine, which is basic and polar, with histidine, which is basic and polar, at codon 810 of the PLEKHM2 protein (p.Arg810His). The frequency data for this variant in the population databases is considered unreliable, as metrics indicate poor data quality at this position in the gnomAD database. This variant has not been reported in the literature in individuals affected with PLEKHM2-related conditions. ClinVar contains an entry for this variant (Variation ID: 2420109). An algorithm developed to predict the effect of missense changes on protein structure and function (PolyPhen-2) suggests that this variant is likely to be disruptive. In summary, the available evidence is currently insufficient to determine the role of this variant in disease. Therefore, it has been classified as a Variant of Uncertain Significance.